The following is an entry in ClinVar:

ClinVar aggregate classification (germline): Uncertain significance (1 of 4 stars; one submission).

gnomAD v4.1: 12 of 1,614,192 alleles (0.00074%); highest among the groups gnomAD compares: Non-Finnish European, 0.00093%; no homozygotes.

Submission:

Labcorp Genetics (formerly Invitae), Labcorp
Classification: Uncertain significance. Last evaluated: 2023-10-03. Review status: criteria provided, single submitter. Criteria: Invitae Variant Classification Sherloc (09022015). Collection method: clinical testing. Allele origin: germline.
Comment: This sequence change replaces aspartic acid, which is acidic and polar, with asparagine, which is neutral and polar, at codon 626 of the COL10A1 protein (p.Asp626Asn). This variant is present in population databases (rs769437062, gnomAD 0.0009%). This variant has not been reported in the literature in individuals affected with COL10A1-related conditions. ClinVar contains an entry for this variant (Variation ID: 1897691). Advanced modeling of protein sequence and biophysical properties (such as structural, functional, and spatial information, amino acid conservation, physicochemical variation, residue mobility, and thermodynamic stability) performed at Invitae indicates that this missense variant is expected to disrupt COL10A1 protein function. In summary, the available evidence is currently insufficient to determine the role of this variant in disease. Therefore, it has been classified as a Variant of Uncertain Significance.

NM_000493.4(COL10A1):c.1876G>A (p.Asp626Asn)

Genes: COL10A1 (collagen type X alpha 1 chain; minus strand), NT5DC1 (5'-nucleotidase domain containing 1; plus strand). Cytogenetic location: 6q22.1.
Variant type: single nucleotide variant.
Coding change: c.1876G>A on transcript NM_000493.4 (MANE Select); coding-DNA position 1876, G replaced by A.
Protein change: p.Asp626Asn; replaces aspartic acid 626 with asparagine.
Molecular consequence: missense variant. On other transcripts: intron variant (1).
Genome position (GRCh38, 1-based): chr6:116,120,240, C>T on the plus strand (G>A on the coding strand, the complement: COL10A1 is on the minus strand). VCF-style: chr6-116120240-C-T. GRCh37 (hg19) VCF-style: chr6-116441403-C-T.
Other names: c.1876G>A, p.Asp626Asn (NM_001424106.1, NM_001424107.1); c.529+2295C>T (NM_152729.3); short protein forms D626N.
Identifiers: ClinVar variation 1897691 (VCV001897691.5), dbSNP rs769437062, ClinGen allele CA3968098.